The following is an entry in ClinVar:

ClinVar aggregate classification (germline): Likely pathogenic (1 of 4 stars; one submission).

Conditions:
Congenital myasthenic syndrome 9. Also called: Myasthenic syndrome, congenital, 9, associated with acetylcholine receptor deficiency. Identifiers: Orphanet 590, MedGen C4225368, MONDO:0014587, OMIM 616325.

Submission:

Genetics and Molecular Pathology, SA Pathology
Classification: Likely pathogenic for Congenital myasthenic syndrome 9. Last evaluated: 2023-01-09. Review status: criteria provided, single submitter. Criteria: ACMG Guidelines, 2015. Collection method: clinical testing. Allele origin: germline. Inheritance: Autosomal recessive inheritance. Affected: yes.
Comment: The MUSK c.790_791delCGinsTGC variant is classified as Likely Pathogenic (PVS1, PM2) This MUSK c.790_791delCGinsTGC variant is located in exon 7/15 and is predicted to cause a shift in the reading frame at codon 264, resulting in a premature stop codon and become the target of nonsense-mediated decay (PVS1). This variant is absent from population databases (PM2). This variant has not been reported in dbSNP, ClinVar or HGMD.

NM_005592.4(MUSK):c.790_791delinsTGC (p.Arg264fs)

Gene: MUSK (muscle associated receptor tyrosine kinase; plus strand). Cytogenetic location: 9q31.3.
Variant type: Indel.
Coding change: c.790_791delinsTGC on transcript NM_005592.4 (MANE Select); coding-DNA positions 790 to 791, CG replaced by TGC.
Protein change: p.Arg264fs; shifts the reading frame from arginine 264.
Molecular consequence: frameshift variant. On other transcripts: 5 prime UTR variant (1).
Genome position (GRCh38, 1-based): chr9:110,747,677-110,747,678, CG replaced by TGC. VCF-style: chr9-110747677-CG-TGC. GRCh37 (hg19) VCF-style: chr9-113509957-CG-TGC.
Other names: c.820_821delinsTGC, p.Arg274fs (NM_001166280.2); c.790_791delinsTGC, p.Arg264fs (NM_001166281.2); c.-447_-446delinsTGC (NM_001369398.1); c.790_791delCGinsTGC (NM_005592.4); short protein forms R264fs, R274fs.
Identifiers: ClinVar variation 2664763 (VCV002664763.1), dbSNP rs2490938695, ClinGen allele CA2573332780.